The following is an entry in ClinVar:

ClinVar aggregate classification (germline): Uncertain significance. Review status: criteria provided, multiple submitters, no conflicts (2 of 4 stars). 2 submissions from 2 submitters: Uncertain significance (2). Last evaluated 2024-07-16.

Allele frequency attached by ClinVar (database versions not stated): ExAC 0.00001; gnomAD 0.00001; gnomAD exomes 0.00001; TOPMed 0.00001.
gnomAD v4.1: 20 of 1,613,816 alleles (0.0012%); highest among the groups gnomAD compares: Non-Finnish European, 0.0015%; no homozygotes.

Submissions (2):

Labcorp Genetics (formerly Invitae), Labcorp
Classification: Uncertain significance. Last evaluated: 2024-07-16. Review status: criteria provided, single submitter. Criteria: Invitae Variant Classification Sherloc (09022015). Collection method: clinical testing. Allele origin: germline.
Comment: This sequence change falls in intron 4 of the IGF1R gene. It does not directly change the encoded amino acid sequence of the IGF1R protein. It affects a nucleotide within the consensus splice site. This variant is present in population databases (rs759234844, gnomAD 0.007%). This variant has not been reported in the literature in individuals affected with IGF1R-related conditions. ClinVar contains an entry for this variant (Variation ID: 281529). Variants that disrupt the consensus splice site are a relatively common cause of aberrant splicing (PMID: 17576681, 9536098). Algorithms developed to predict the effect of sequence changes on RNA splicing suggest that this variant may disrupt the consensus splice site. In summary, the available evidence is currently insufficient to determine the role of this variant in disease. Therefore, it has been classified as a Variant of Uncertain Significance.

Eurofins Ntd Llc (ga)
Classification: Uncertain significance. Last evaluated: 2015-06-23. Review status: criteria provided, single submitter. Criteria: EGL Classification Definitions 2015. Collection method: clinical testing. Allele origin: germline. Observed: 1 variant allele, 1 heterozygote.

Literature cited by the submitters: PubMed 17576681 (cited by Labcorp Genetics (formerly Invitae), Labcorp); PubMed 9536098 (cited by Labcorp Genetics (formerly Invitae), Labcorp).

NM_000875.5(IGF1R):c.1102+6T>C

Genes: IGF1R (insulin like growth factor 1 receptor; plus strand), LOC126862245 (P300/CBP strongly-dependent group 1 enhancer GRCh37_chr15:99439536-99440735; plus strand). Cytogenetic location: 15q26.3.
Variant type: single nucleotide variant.
Coding change: c.1102+6T>C on transcript NM_000875.5 (MANE Select); 6 bases into the intron after coding-DNA position 1102, T replaced by C.
Molecular consequence: intron variant.
Genome position (GRCh38, 1-based): chr15:98,896,911, T>C. VCF-style: chr15-98896911-T-C. GRCh37 (hg19) VCF-style: chr15-99440140-T-C.
Other names: c.1102+6T>C (NM_001291858.2).
Identifiers: ClinVar variation 281529 (VCV000281529.7), dbSNP rs759234844, ClinGen allele CA7752001.